The following is an entry in ClinVar:

NM_001128178.3(NPHP1):c.1880C>A (p.Ala627Glu)

Gene: NPHP1 (nephrocystin 1; minus strand). Cytogenetic location: 2q13.
Variant type: single nucleotide variant.
Coding change: c.1880C>A on transcript NM_001128178.3 (MANE Select); coding-DNA position 1880, C replaced by A.
Protein change: p.Ala627Glu; replaces alanine 627 with glutamic acid.
Molecular consequence: missense variant. On other transcripts: 3 prime UTR variant (1).
Genome position (GRCh38, 1-based): chr2:110,123,945, G>T on the plus strand (C>A on the coding strand, the complement: NPHP1 is on the minus strand). VCF-style: chr2-110123945-G-T. GRCh37 (hg19) VCF-style: chr2-110881522-G-T.
Other names: c.2048C>A, p.Ala683Glu (NM_000272.5); c.1691C>A, p.Ala564Glu (NM_001128179.3); c.1877C>A, p.Ala626Glu (NM_001374256.1); c.*122C>A (NM_001374257.1); c.2045C>A, p.Ala682Glu (NM_207181.4); short protein forms A564E, A626E, A627E, A683E, A682E.
Identifiers: ClinVar variation 4997997 (VCV004997997.1).

ClinVar aggregate classification (germline): Uncertain significance (1 of 4 stars; one submission).

Conditions:
NPHP1-related disorder. Also called: NPHP1-related disorders; NPHP1-related condition.

Submission:

PreventionGenetics, part of Exact Sciences
Classification: Uncertain significance for NPHP1-related condition. Last evaluated: 2025-06-13. Review status: criteria provided, single submitter. Criteria: ACMG Guidelines, 2015. Collection method: clinical testing. Allele origin: germline.
Comment: The NPHP1 c.2048C>A variant is predicted to result in the amino acid substitution p.Ala683Glu. To our knowledge, this variant has not been reported in the literature or in a large population database (gnomAD), indicating this variant is rare. At this time, the clinical significance of this variant is uncertain due to the absence of conclusive functional and genetic evidence.